The following is an entry in ClinVar:

ClinVar aggregate classification (germline): Benign/Likely benign. Review status: criteria provided, multiple submitters, no conflicts (2 of 4 stars). 5 submissions from 5 submitters: Benign (1); Likely benign (3). 1 of the submissions does not count toward it. Last evaluated 2026-01-05.

Conditions:
TRIOBP-related disorder. Also called: TRIOBP-related condition.

Allele frequency attached by ClinVar (database versions not stated): ESP Exome Variant Server 0.00008; gnomAD 0.00020 and 0.00027; TOPMed 0.00036; 1000 Genomes Project 30x 0.00047; 1000 Genomes Project 0.00080.

Submissions (5):

Labcorp Genetics (formerly Invitae), Labcorp
Classification: Likely benign. Last evaluated: 2026-01-05. Review status: criteria provided, single submitter. Criteria: Invitae Variant Classification Sherloc (09022015). Collection method: clinical testing. Allele origin: germline.

Blueprint Genetics
Classification: Likely benign. Last evaluated: 2024-10-23. Review status: criteria provided, single submitter. Criteria: ACMG Guidelines, 2015. Collection method: clinical testing. Allele origin: germline.

GeneDx
Classification: Likely benign. Last evaluated: 2020-04-30. Review status: criteria provided, single submitter. Criteria: GeneDx Variant Classification Process June 2021. Collection method: clinical testing. Allele origin: germline. Affected: yes.

Laboratory for Molecular Medicine, Mass General Brigham Personalized Medicine
Classification: Benign. Last evaluated: 2017-09-04. Review status: criteria provided, single submitter. Criteria: LMM Criteria. Collection method: clinical testing. Allele origin: germline. Observed: 1 variant allele.
Comment: p.Arg1576Cys in exon 9 of TRIOBP: This variant is not expected to have clinical significance because it has been identified in 0.67% (123/18784) of East Asian c hromosomes by the Genome Aggregation Database (gnomAD; dbSNP rs200113910).

PreventionGenetics, part of Exact Sciences
Classification: Likely benign for TRIOBP-related condition. Last evaluated: 2020-02-18. Review status: no assertion criteria provided. Collection method: clinical testing. Allele origin: germline. Not counted in ClinVar's aggregate classification.
Comment: This variant is classified as likely benign based on ACMG/AMP sequence variant interpretation guidelines (Richards et al. 2015 PMID: 25741868, with internal and published modifications).

NM_001039141.3(TRIOBP):c.4726C>T (p.Arg1576Cys)

Gene: TRIOBP (TRIO and F-actin binding protein; plus strand). Cytogenetic location: 22q13.1.
Variant type: single nucleotide variant.
Coding change: c.4726C>T on transcript NM_001039141.3 (MANE Select); coding-DNA position 4726, C replaced by T.
Protein change: p.Arg1576Cys; replaces arginine 1576 with cysteine.
Molecular consequence: missense variant.
Genome position (GRCh38, 1-based): chr22:37,735,062, C>T. VCF-style: chr22-37735062-C-T. GRCh37 (hg19) VCF-style: chr22-38131069-C-T.
Other names: short protein forms R1576C.
Identifiers: ClinVar variation 506008 (VCV000506008.19), dbSNP rs200113910, ClinGen allele CA10224440.
Genomic context (GRCh38, chr22:37,735,062, plus strand): 5'-GAGCTTGACTGGAGGGATCTGCTTGGCCTTCTCCGGGCACCAGGAGAGGGGGTCTGGGCC[C>T]GTGTCCCCAGCCTGGACTGGGAGGGCCTCTTGGAGCTCCTGCAGGCCAGGCTGCCCCGCA-3'
Protein context (NP_001034230.1, residues 1566-1586): LRAPGEGVWA[Arg1576Cys]VPSLDWEGLL